The following is an entry in ClinVar:

NM_025144.4(ALPK1):c.457C>G (p.Arg153Gly)

Gene: ALPK1 (alpha kinase 1; plus strand). Cytogenetic location: 4q25.
Variant type: single nucleotide variant.
Coding change: c.457C>G on transcript NM_025144.4 (MANE Select); coding-DNA position 457, C replaced by G.
Protein change: p.Arg153Gly; replaces arginine 153 with glycine.
Molecular consequence: missense variant.
Genome position (GRCh38, 1-based): chr4:112,412,007, C>G. VCF-style: chr4-112412007-C-G. GRCh37 (hg19) VCF-style: chr4-113333163-C-G.
Other names: c.457C>G, p.Arg153Gly (NM_001102406.2); c.223C>G, p.Arg75Gly (NM_001253884.2); short protein forms R75G, R153G.
Identifiers: ClinVar variation 2107005 (VCV002107005.4), dbSNP rs2476468400, ClinGen allele CA357990801.
Genomic context (GRCh38, chr4:112,412,007, plus strand): 5'-GGTCTCCACAAGTTGCAGCCAGCCACGCCAATTGCCCCGCAGGTGGTTATTCGCCAAGCC[C>G]GAATCTCCGTGAACTCAGGTATGCTCCCTCCTGCTGGCCGCCCCCGCGTCCTCAGTGTCT-3'
Protein context (NP_079420.3, residues 143-163): IAPQVVIRQA[Arg153Gly]ISVNSGKLLK

ClinVar aggregate classification (germline): Uncertain significance (1 of 4 stars; one submission).

gnomAD v4.1: 1 of 1,614,060 alleles (0.000062%); highest among the groups gnomAD compares: South Asian, 0.0011%; no homozygotes.

Submission:

Labcorp Genetics (formerly Invitae), Labcorp
Classification: Uncertain significance. Last evaluated: 2022-03-04. Review status: criteria provided, single submitter. Criteria: Invitae Variant Classification Sherloc (09022015). Collection method: clinical testing. Allele origin: germline.
Comment: In summary, the available evidence is currently insufficient to determine the role of this variant in disease. Therefore, it has been classified as a Variant of Uncertain Significance. Algorithms developed to predict the effect of missense changes on protein structure and function are either unavailable or do not agree on the potential impact of this missense change (SIFT: "Deleterious"; PolyPhen-2: "Probably Damaging"; Align-GVGD: "Class C0"). This variant has not been reported in the literature in individuals affected with ALPK1-related conditions. This variant is not present in population databases (gnomAD no frequency). This sequence change replaces arginine, which is basic and polar, with glycine, which is neutral and non-polar, at codon 153 of the ALPK1 protein (p.Arg153Gly).